The following is an entry in ClinVar:

NM_001122630.2(CDKN1C):c.902G>A (p.Arg301His)

Gene: CDKN1C (cyclin dependent kinase inhibitor 1C; minus strand). Cytogenetic location: 11p15.4.
Variant type: single nucleotide variant.
Coding change: c.902G>A on transcript NM_001122630.2 (MANE Select); coding-DNA position 902, G replaced by A.
Protein change: p.Arg301His; replaces arginine 301 with histidine.
Molecular consequence: missense variant.
Genome position (GRCh38, 1-based): chr11:2,884,020, C>T on the plus strand (G>A on the coding strand, the complement: CDKN1C is on the minus strand). VCF-style: chr11-2884020-C-T. GRCh37 (hg19) VCF-style: chr11-2905250-C-T.
Other names: c.935G>A, p.Arg312His (NM_000076.2, NM_001362474.2); c.902G>A, p.Arg301His (NM_001122631.2); c.370G>A, p.Ala124Thr (NM_001362475.2); short protein forms R301H, R312H, A124T.
Identifiers: ClinVar variation 1041291 (VCV001041291.8), dbSNP rs1161543117, ClinGen allele CA379144699.

ClinVar aggregate classification (germline): Uncertain significance (1 of 4 stars; one submission).

Conditions:
Beckwith-Wiedemann syndrome (BWS). Also called: Exomphalos macroglossia gigantism syndrome; EMG SYNDROME. Identifiers: Orphanet 116, MedGen C0004903, MONDO:0007534, OMIM 130650.

Submission:

Labcorp Genetics (formerly Invitae), Labcorp
Classification: Uncertain significance for Beckwith-Wiedemann syndrome. Last evaluated: 2020-09-30. Review status: criteria provided, single submitter. Criteria: Invitae Variant Classification Sherloc (09022015). Collection method: clinical testing. Allele origin: germline.
Comment: Algorithms developed to predict the effect of missense changes on protein structure and function are either unavailable or do not agree on the potential impact of this missense change (SIFT: "Deleterious"; PolyPhen-2: "Not Available"; Align-GVGD: "Class C0"). In summary, the available evidence is currently insufficient to determine the role of this variant in disease. Therefore, it has been classified as a Variant of Uncertain Significance. This variant has not been reported in the literature in individuals with CDKN1C-related conditions. The frequency data for this variant in the population databases is considered unreliable, as metrics indicate insufficient coverage at this position in the ExAC database. This sequence change replaces arginine with histidine at codon 312 of the CDKN1C protein (p.Arg312His). The arginine residue is highly conserved and there is a small physicochemical difference between arginine and histidine.